The following is an entry in ClinVar:

NM_001148.6(ANK2):c.5441A>C (p.Lys1814Thr)

Genes: ANK2 (ankyrin 2; plus strand), LOC126807136 (MED14-independent group 3 enhancer GRCh37_chr4:114274931-114276130; plus strand). Cytogenetic location: 4q26.
Variant type: single nucleotide variant.
Coding change: c.5441A>C on transcript NM_001148.6 (MANE Select); coding-DNA position 5441, A replaced by C.
Protein change: p.Lys1814Thr; replaces lysine 1814 with threonine.
Molecular consequence: missense variant. On other transcripts: intron variant (68).
Genome position (GRCh38, 1-based): chr4:113,354,059, A>C. VCF-style: chr4-113354059-A-C. GRCh37 (hg19) VCF-style: chr4-114275215-A-C.
Other names: c.1990+3810A>C (NM_001354279.2, NM_001354282.2); c.1975+3810A>C (NM_001354280.2); c.1954+3810A>C (NM_001354278.2, NM_001354281.2); c.826+3810A>C (NM_001386167.1); c.5207A>C, p.Lys1736Thr (NM_001386142.1); c.1841A>C, p.Lys614Thr (NM_001386166.1); c.5582A>C, p.Lys1861Thr (NM_001386174.1); c.5558A>C, p.Lys1853Thr (NM_001386175.1); and 35 more; short protein forms K1814T, K1853T, K1736T, K1861T, K614T.
Identifiers: ClinVar variation 2590762 (VCV002590762.3), dbSNP rs759013185, ClinGen allele CA3051227.

ClinVar aggregate classification (germline): Uncertain significance (1 of 4 stars; one submission).

Conditions:
Cardiovascular phenotype. Identifiers: MedGen CN230736.

Allele frequency attached by ClinVar (database versions not stated): ExAC 0.00001.
gnomAD v4.1: 2 of 1,613,966 alleles (0.00012%); highest among the groups gnomAD compares: African/African-American, 0.0027%; no homozygotes.

Submission:

Ambry Genetics
Classification: Uncertain significance for Cardiovascular phenotype. Last evaluated: 2025-12-10. Review status: criteria provided, single submitter. Criteria: Ambry Variant Classification Scheme 2023. Collection method: clinical testing. Allele origin: germline.
Comment: The p.K1814T variant (also known as c.5441A>C), located in coding exon 38 of the ANK2 gene, results from an A to C substitution at nucleotide position 5441. The lysine at codon 1814 is replaced by threonine, an amino acid with similar properties. This amino acid position is conserved. In addition, this alteration is predicted to be tolerated by in silico analysis. Since supporting evidence is limited at this time, the clinical significance of this alteration remains unclear.